The following is an entry in ClinVar:

NM_004991.4(MECOM):c.3247G>A (p.Asp1083Asn)

Gene: MECOM (MDS1 and EVI1 complex locus; minus strand). Cytogenetic location: 3q26.2.
Variant type: single nucleotide variant.
Coding change: c.3247G>A on transcript NM_004991.4 (MANE Select); coding-DNA position 3247, G replaced by A.
Protein change: p.Asp1083Asn; replaces aspartic acid 1083 with asparagine.
Molecular consequence: missense variant.
Genome position (GRCh38, 1-based): chr3:169,090,154, C>T on the plus strand (G>A on the coding strand, the complement: MECOM is on the minus strand). VCF-style: chr3-169090154-C-T. GRCh37 (hg19) VCF-style: chr3-168807942-C-T.
Other names: c.2878G>A, p.Asp960Asn (NM_001105077.4); c.2683G>A, p.Asp895Asn (NM_001105078.4, NM_001205194.2, NM_001366469.2 and 1 more transcripts); c.2659G>A, p.Asp887Asn (NM_001163999.2, NM_001366470.2); c.2656G>A, p.Asp886Asn (NM_001164000.2, NM_001366471.2, NM_001366472.2); c.3220G>A, p.Asp1074Asn (NM_001366466.2); c.2686G>A, p.Asp896Asn (NM_001366467.2, NM_001366468.2); c.2248G>A, p.Asp750Asn (NM_001366473.2); c.1684G>A, p.Asp562Asn (NM_001366474.2); short protein forms D750N, D886N, D1074N, D1083N, D562N, D887N, D895N, D960N.
Identifiers: ClinVar variation 3394284 (VCV003394284.1).

ClinVar aggregate classification (germline): Uncertain significance (1 of 4 stars; one submission).

Conditions:
Inborn genetic diseases. Identifiers: MedGen C0950123, MeSH D030342.

Submission:

Ambry Genetics
Classification: Uncertain significance for Inborn genetic diseases. Last evaluated: 2024-11-23. Review status: criteria provided, single submitter. Criteria: Ambry Variant Classification Scheme 2023. Collection method: clinical testing. Allele origin: germline.
Comment: The p.D1083N variant (also known as c.3247G>A), located in coding exon 15 of the MECOM gene, results from a G to A substitution at nucleotide position 3247. The aspartic acid at codon 1083 is replaced by asparagine, an amino acid with highly similar properties. This amino acid position is conserved. In addition, this alteration is predicted to be tolerated by in silico analysis. Based on the available evidence, the clinical significance of this variant remains unclear.